The following is an entry in ClinVar:

NM_000069.3(CACNA1S):c.3462T>A (p.Asn1154Lys)

Gene: CACNA1S (calcium voltage-gated channel subunit alpha1 S; minus strand). Cytogenetic location: 1q32.1.
Variant type: single nucleotide variant.
Coding change: c.3462T>A on transcript NM_000069.3 (MANE Select); coding-DNA position 3462, T replaced by A.
Protein change: p.Asn1154Lys; replaces asparagine 1154 with lysine.
Molecular consequence: missense variant.
Genome position (GRCh38, 1-based): chr1:201,059,252, A>T on the plus strand (T>A on the coding strand, the complement: CACNA1S is on the minus strand). VCF-style: chr1-201059252-A-T. GRCh37 (hg19) VCF-style: chr1-201028380-A-T.
Other names: short protein forms N1154K.
Identifiers: ClinVar variation 2942383 (VCV002942383.3), dbSNP rs2464489830, ClinGen allele CA344158572.

ClinVar aggregate classification (germline): Uncertain significance (1 of 4 stars; one submission).

Conditions:
Malignant hyperthermia, susceptibility to, 5 (MHS5). Also called: CACNA1S-Related Malignant Hyperthermia Susceptibility. Identifiers: Orphanet 423, MedGen C1866077, MONDO:0011163, OMIM 601887.
Hypokalemic periodic paralysis, type 1. Also called: HypoPP; Hypokalemic Periodic Paralysis Type 1 (AD). Identifiers: Orphanet 681, MedGen C3714580, MONDO:0042979, OMIM 170400.

Submission:

Labcorp Genetics (formerly Invitae), Labcorp
Classification: Uncertain significance for Hypokalemic periodic paralysis, type 1; Malignant hyperthermia, susceptibility to, 5. Last evaluated: 2022-12-17. Review status: criteria provided, single submitter. Criteria: Invitae Variant Classification Sherloc (09022015). Collection method: clinical testing. Allele origin: germline.
Comment: This sequence change replaces asparagine, which is neutral and polar, with lysine, which is basic and polar, at codon 1154 of the CACNA1S protein (p.Asn1154Lys). This variant is not present in population databases (gnomAD no frequency). This variant has not been reported in the literature in individuals affected with CACNA1S-related conditions. Advanced modeling of protein sequence and biophysical properties (such as structural, functional, and spatial information, amino acid conservation, physicochemical variation, residue mobility, and thermodynamic stability) performed at Invitae indicates that this missense variant is expected to disrupt CACNA1S protein function. In summary, the available evidence is currently insufficient to determine the role of this variant in disease. Therefore, it has been classified as a Variant of Uncertain Significance.